The following continues an entry in ClinVar:

NM_001042492.3(NF1):c.4600C>T (p.Arg1534Ter)

Gene: NF1. ClinVar aggregate classification (germline): Pathogenic/Likely pathogenic. Pathogenic (37); Likely pathogenic (2). ClinVar aggregate classification (somatic clinical impact): Tier I - Strong. ClinVar aggregate classification (oncogenicity): Oncogenic.

Submissions 22 to 37 of 44:

Neuberg Centre For Genomic Medicine, NCGM
Classification: Pathogenic for Neurofibromatosis, type 1. Last evaluated: 2023-02-14. Review status: criteria provided, single submitter. Criteria: ACMG Guidelines, 2015. Collection method: clinical testing. Allele origin: germline. Inheritance: Autosomal dominant inheritance. Affected: yes.
Comment: The stop gained c.4600C>T (p.Arg1534Ter) variant in the NF1 gene has been been reported as a recurring pathogenic variant in several individuals affected with Neurofibromatosis Type 1 (Yao et al., 2019; Ko JM et al., 2013). This variant is reported with the allele frequency 0.0007% in the gnomAD and novel in 1000 genome database. This variant has been reported to the ClinVar database as Likely Pathogenic/ Pathogenic (multiple submissions). The nucleotide change c.4600C>T in NF1 is predicted as conserved by GERP++ and PhyloP across 100 vertebrates. Loss of function variants have been previously reported to be disease causing. For these reasons, this variant has been classified as Pathogenic.

Institute for Genomic Medicine (IGM) Clinical Laboratory, Nationwide Children's Hospital
Classification: Tier I - Strong for Giant cell glioblastoma. Assertion type: diagnostic. Clinical significance: supports diagnosis. Last evaluated: 2023-01-11. Review status: criteria provided, single submitter. Criteria: AMP/ASCO/CAP Guidelines, 2017. Collection method: clinical testing. Allele origin: somatic. Affected: yes.
Comment: Variant has Tier I (strong) clinical significance as a diagnostic inclusion criterion in giant cell glioblastoma, based on the following evidence: 1) Documented in one or more cancer databases (e.g., St. Jude Pecan, COSMIC, CIViC, OncoKB). 2) Appears in one or more well-established professional guidelines (e.g., World Health Organization [WHO]; National Comprehensive Cancer Network [NCCN]) as providing diagnostic, prognostic, or therapeutic information. 3) Diagnostic for a specific tumor type/classification based on well-powered studies with expert-level consensus (Evidence Level B; PMIDs: 32642724, 34131647, 34952640).

GeneDx
Classification: Pathogenic. Last evaluated: 2022-09-06. Review status: criteria provided, single submitter. Criteria: GeneDx Variant Classification Process June 2021. Collection method: clinical testing. Allele origin: germline. Affected: yes.
Comment: Nonsense variant predicted to result in protein truncation or nonsense mediated decay in a gene for which loss-of-function is a known mechanism of disease; This variant is associated with the following publications: (PMID: 10862084, 29957862, 16941471, 21354044, 18041031, 12552569, 17209131, 24676424, 22155606, 24789688, 27838393, 31717729, 31533797, 34427956, 31980526, 17914445, 10607834, 9180088, 25525159, 14517963, 23668869, 24932921, 29506128, 30530636, 10712197, 16479075, 26969325, 15060124, 15146469, 20687928, 31730495, 31533651, 31370276, 29625052, 32005694, 34426522, 34055682, 31776437, 33344560, 31783133)

Victorian Clinical Genetics Services, Murdoch Childrens Research Institute
Classification: Pathogenic for Neurofibromatosis, type 1. Last evaluated: 2022-09-02. Review status: criteria provided, single submitter. Criteria: ACMG Guidelines, 2015. Collection method: clinical testing. Allele origin: germline. Inheritance: Autosomal dominant inheritance. Affected: yes.
Comment: Based on the classification scheme VCGS_Germline_v1.3.4, this variant is classified as Pathogenic. Following criteria are met: 0102 - Loss of function is a known mechanism of disease in this gene and is associated juvenile myelomonocytic leukemia (MIM#607785), familial spinal neurofibromatosis (MIM#162210), neurofibromatosis type 1 (MIM#162200), neurofibromatosis-Noonan syndrome (MIM#601321) and Watson syndrome (MIM#193520). (I) 0107 - This gene is associated with autosomal dominant disease. (I) 0115 - Variants in this gene are known to have variable expressivity. Disease manifestation can be extremely variable, even within a family (GeneReviews). (I) 0201 - Variant is predicted to cause nonsense-mediated decay (NMD) and loss of protein (premature termination codon is located at least 54 nucleotides upstream of the final exon-exon junction). (SP) 0251 - This variant is heterozygous. (I) 0302 - Variant is present in gnomAD (v2) <0.001 for a dominant condition (2 heterozygotes, 0 homozygotes). (SP) 0701 - Other null variants comparable to the one identified in this case have very strong previous evidence for pathogenicity. At least ten NMD-predicted variants have been classified as likely pathogenic or pathogenic (DECIPHER). (SP) 0801 - This variant has strong previous evidence of pathogenicity in unrelated individuals. This variant has been classified as likely pathogenic and pathogenic by multiple clinical diagnostic laboratories and has been reported in individuals with neurofibromatosis type 1 (ClinVar; PMIDs: 23668869, 27838393). (SP) 1208 - Inheritance information for this variant is not currently available in this individual. (I) Legend: (SP) - Supporting pathogenic, (I) - Information, (SB) - Supporting benign

Genome-Nilou Lab
Classification: Pathogenic for Neurofibromatosis, type 1. Last evaluated: 2022-03-15. Review status: criteria provided, single submitter. Criteria: ACMG Guidelines, 2015. Collection method: clinical testing. Allele origin: germline. Affected: no.

Sema4
Classification: Pathogenic for Hereditary cancer-predisposing syndrome. Last evaluated: 2021-09-15. Review status: criteria provided, single submitter. Criteria: Sema4 Curation Guidelines. Collection method: curation. Allele origin: germline.
Comment: The NF1 c.4537C>T (p.R1513X) variant has been reported in heterozygosity in numerous individuals with neurofibromatosis (PMID: 9180088, 31533651, 31370276, among others). It was also identified in at least two patients with breast cancer (PMID: 30530636). This nonsense variant creates a premature stop codon at residue 1513 of the NF1 protein. This variant was observed in 1/34584 chromosomes in the Latino population according to the Genome Aggregation Database (PMID: 32461654). This variant has been reported in ClinVar (Variation ID: 220152). Based on the current evidence available, this variant is interpreted as pathogenic.

Institute for Clinical Genetics, University Hospital TU Dresden, University Hospital TU Dresden
Classification: Pathogenic. Last evaluated: 2021-08-23. Review status: criteria provided, single submitter. Criteria: ACMG Guidelines, 2015. Collection method: clinical testing. Allele origin: germline.
Comment: PVS1, PP5, PP1, BS2

Kariminejad - Najmabadi Pathology & Genetics Center
Classification: Pathogenic for Abnormality of the skin. Last evaluated: 2021-07-10. Review status: criteria provided, single submitter. Criteria: ACMG Guidelines, 2015. Collection method: clinical testing. Allele origin: de novo. Affected: yes.

Clinical Genetics Laboratory, Region Ostergotland
Classification: Pathogenic for Neurofibromatosis, type 1. Last evaluated: 2020-11-09. Review status: criteria provided, single submitter. Criteria: ACMG Guidelines, 2015. Collection method: clinical testing. Allele origin: germline. Affected: yes.
Comment: PVS1, PS4, PM6, PP5

Genome Diagnostics Laboratory, The Hospital for Sick Children
Classification: Pathogenic for Neurofibromatosis, type 1. Last evaluated: 2020-10-26. Review status: criteria provided, single submitter. Criteria: ACMG Guidelines, 2015. Collection method: clinical testing. Allele origin: germline. Affected: yes.

Women's Health and Genetics/Laboratory Corporation of America, LabCorp
Classification: Pathogenic for Neurofibromatosis, type 1. Last evaluated: 2020-07-16. Review status: criteria provided, single submitter. Criteria: LabCorp Variant Classification Summary - May 2015. Collection method: clinical testing. Allele origin: germline.
Comment: Variant summary: NF1 c.4537C>T (p.Arg1513X) results in a premature termination codon, predicted to cause a truncation of the encoded protein or absence of the protein due to nonsense mediated decay, which are commonly known mechanisms for disease. Truncations downstream of this position have been classified as pathogenic by our laboratory. The variant allele was found at a frequency of 8e-06 in 251346 control chromosomes (gnomAD). The variant, c.4537C>T, had been reported as a recurring pathogenic variant in several individuals affected with Neurofibromatosis Type 1 (e.g. Side_1997, Frayling_2019, Yao_2019). Eight clinical diagnostic laboratories have submitted clinical-significance assessments for this variant to ClinVar after 2014, and all of them classified the variant as pathogenic. Based on the evidence outlined above, the variant was classified as pathogenic.

Department of Molecular Diagnostics, Institute of Oncology Ljubljana
Classification: Pathogenic for Neurofibromatosis, type 1. Last evaluated: 2020-04-02. Review status: criteria provided, single submitter. Criteria: ACMG Guidelines, 2015. Collection method: clinical testing. Allele origin: germline. Affected: yes.

Medical Genetics, University of Parma
Classification: Pathogenic for Neurofibromatosis, type 1. Last evaluated: 2019-12-20. Review status: criteria provided, single submitter. Criteria: ACMG Guidelines, 2015. Collection method: clinical testing. Allele origin: germline. Affected: yes.

The Laboratory of Genetics and Metabolism, Hunan Children’s Hospital
Classification: Pathogenic for Neurofibromatosis, type 1; Tibial pseudoarthrosis. Last evaluated: 2018-11-10. Review status: criteria provided, single submitter. Criteria: ACMG Guidelines, 2015. Collection method: research. Allele origin: paternal. Affected: yes. Observed: 1 variant allele.

Athena Diagnostics
Classification: Pathogenic. Last evaluated: 2017-12-14. Review status: criteria provided, single submitter. Criteria: Athena Diagnostics Criteria. Collection method: clinical testing. Allele origin: germline.

Center for Human Genetics, Inc
Classification: Pathogenic for Neurofibromatosis, type 1. Last evaluated: 2016-11-01. Review status: criteria provided, single submitter. Criteria: ACMG Guidelines, 2015. Collection method: clinical testing. Allele origin: germline. Affected: yes.